The following is an entry in ClinVar:

ClinVar aggregate classification (germline): Uncertain significance (1 of 4 stars; one submission).

Conditions:
Neuroblastoma, susceptibility to, 3. Also called: ALK-Related Neuroblastic Tumor Susceptibility. Identifiers: Orphanet 635, MedGen C2751681, MONDO:0013083, OMIM 613014.

gnomAD v4.1: 5 of 1,614,246 alleles (0.00031%); highest among the groups gnomAD compares: Non-Finnish European, 0.00042%; no homozygotes.

Submission:

Labcorp Genetics (formerly Invitae), Labcorp
Classification: Uncertain significance for Neuroblastoma, susceptibility to, 3. Last evaluated: 2025-07-29. Review status: criteria provided, single submitter. Criteria: Invitae Variant Classification Sherloc (09022015). Collection method: clinical testing. Allele origin: germline.
Comment: This sequence change replaces aspartic acid, which is acidic and polar, with glycine, which is neutral and non-polar, at codon 832 of the ALK protein (p.Asp832Gly). The frequency data for this variant in the population databases is considered unreliable, as metrics indicate poor data quality at this position in the gnomAD database. This variant has not been reported in the literature in individuals affected with ALK-related conditions. An algorithm developed to predict the effect of missense changes on protein structure and function (PolyPhen-2) suggests that this variant is likely to be tolerated. Algorithms developed to predict the effect of sequence changes on RNA splicing suggest that this variant may disrupt the consensus splice site. In summary, the available evidence is currently insufficient to determine the role of this variant in disease. Therefore, it has been classified as a Variant of Uncertain Significance.

NM_004304.5(ALK):c.2495A>G (p.Asp832Gly)

Gene: ALK (ALK receptor tyrosine kinase; minus strand). Cytogenetic location: 2p23.2.
Variant type: single nucleotide variant.
Coding change: c.2495A>G on transcript NM_004304.5 (MANE Select); coding-DNA position 2495, A replaced by G.
Protein change: p.Asp832Gly; replaces aspartic acid 832 with glycine.
Molecular consequence: missense variant.
Genome position (GRCh38, 1-based): chr2:29,232,441, T>C on the plus strand (A>G on the coding strand, the complement: ALK is on the minus strand). VCF-style: chr2-29232441-T-C. GRCh37 (hg19) VCF-style: chr2-29455307-T-C.
Other names: short protein forms D832G.
Identifiers: ClinVar variation 4806418 (VCV004806418.1).
Genomic context (GRCh38, chr2:29,232,441, plus strand): 5'-TTGGCCCCGTAGGCCCTGCCACCACCTCCGGCTGCAATGATCAGGGGCACCGGCACTCCA[T>C]CCTTCATCTGACCAGGGGAGACATTCAGACATTGAGAAACCGAGCTGTGCTTCCCCCTGG-3'
Protein context (NP_004295.2, residues 822-842): GGATYVFKMK[Asp832Gly]GVPVPLIIAA